The following is an entry in ClinVar:

NM_004863.4(SPTLC2):c.*288C>T

Gene: SPTLC2 (serine palmitoyltransferase long chain base subunit 2; minus strand). Cytogenetic location: 14q24.3.
Variant type: single nucleotide variant.
Coding change: c.*288C>T on transcript NM_004863.4 (MANE Select); 288 bases downstream of the stop codon, C replaced by T.
Molecular consequence: 3 prime UTR variant.
Genome position (GRCh38, 1-based): chr14:77,511,996, G>A on the plus strand (C>T on the coding strand, the complement: SPTLC2 is on the minus strand). VCF-style: chr14-77511996-G-A. GRCh37 (hg19) VCF-style: chr14-77978339-G-A.
Identifiers: ClinVar variation 314659 (VCV000314659.5), dbSNP rs187745450, ClinGen allele CA10646405.

ClinVar aggregate classification (germline): Benign (1 of 4 stars; one submission).

Conditions:
Neuropathy, hereditary sensory and autonomic, type 1C. Also called: HSAN IC; HSN IC. Identifiers: Orphanet 36386, MedGen C3150896, MONDO:0013337, OMIM 613640.

Allele frequency attached by ClinVar (database versions not stated): gnomAD 0.00021 and 0.00046; TOPMed 0.00031; gnomAD exomes 0.00157; 1000 Genomes Project 30x 0.00187; 1000 Genomes Project 0.00200.
gnomAD v4.1: 447 of 400,626 alleles (0.11%); highest among the groups gnomAD compares: South Asian, 0.71%; 8 homozygotes.

Submission:

Illumina Laboratory Services, Illumina
Classification: Benign for Neuropathy, hereditary sensory and autonomic, type 1C. Last evaluated: 2018-01-13. Review status: criteria provided, single submitter. Criteria: ICSL Variant Classification Criteria 13 December 2019. Collection method: clinical testing. Allele origin: germline.
Comment: This variant was observed in the ICSL laboratory as part of a predisposition screen in an ostensibly healthy population. It had not been previously curated by ICSL or reported in the Human Gene Mutation Database (HGMD: prior to June 1st, 2018), and was therefore a candidate for classification through an automated scoring system. Utilizing variant allele frequency, disease prevalence and penetrance estimates, and inheritance mode, an automated score was calculated to assess if this variant is too frequent to cause the disease. Based on the score and internal cut-off values, a variant classified as benign is not then subjected to further curation. The score for this variant resulted in a classification of benign for this disease.